The following is an entry in ClinVar:

NM_005853.6(IRX5):c.1092G>A (p.Gly364=)

Gene: IRX5 (iroquois homeobox 5; plus strand). Cytogenetic location: 16q12.2.
Variant type: single nucleotide variant.
Coding change: c.1092G>A on transcript NM_005853.6 (MANE Select); coding-DNA position 1092, G replaced by A.
Protein change: p.Gly364=; no amino-acid change (glycine 364 retained).
Molecular consequence: synonymous variant.
Genome position (GRCh38, 1-based): chr16:54,933,513, G>A. VCF-style: chr16-54933513-G-A. GRCh37 (hg19) VCF-style: chr16-54967425-G-A.
Other names: c.1089G>A, p.Gly363= (NM_001252197.1).
Identifiers: ClinVar variation 745877 (VCV000745877.6), dbSNP rs375662858, ClinGen allele CA8059324.

ClinVar aggregate classification (germline): Benign. Review status: criteria provided, single submitter (1 of 4 stars). 2 submissions from 2 submitters: Benign (1). 1 of the submissions does not count toward it. Last evaluated 2025-08-04.

Conditions:
IRX5-related disorder. Also called: IRX5-related condition.

Allele frequency attached by ClinVar (database versions not stated): gnomAD 0.00003 and 0.00028; TOPMed 0.00003; 1000 Genomes Project 30x 0.00078; 1000 Genomes Project 0.00100.
gnomAD v4.1: 739 of 1,610,148 alleles (0.046%); highest among the groups gnomAD compares: South Asian, 0.75%; 8 homozygotes.

Submissions (2):

Labcorp Genetics (formerly Invitae), Labcorp
Classification: Benign. Last evaluated: 2025-08-04. Review status: criteria provided, single submitter. Criteria: Invitae Variant Classification Sherloc (09022015). Collection method: clinical testing. Allele origin: germline.

PreventionGenetics, part of Exact Sciences
Classification: Benign for IRX5-related condition. Last evaluated: 2019-10-28. Review status: no assertion criteria provided. Collection method: clinical testing. Allele origin: germline. Not counted in ClinVar's aggregate classification.
Comment: This variant is classified as benign based on ACMG/AMP sequence variant interpretation guidelines (Richards et al. 2015 PMID: 25741868, with internal and published modifications).